The following is an entry in ClinVar:

ClinVar aggregate classification (germline): Benign. Review status: criteria provided, multiple submitters, no conflicts (2 of 4 stars). 3 submissions from 3 submitters: Benign (2). 1 of the submissions does not count toward it. Last evaluated 2019-12-31.

Conditions:
GRPR-related disorder. Also called: GRPR-related condition.

Allele frequency attached by ClinVar (database versions not stated): 1000 Genomes Project 30x 0.00187; 1000 Genomes Project 0.00212; TOPMed 0.00664; gnomAD 0.00751 and 0.00759; gnomAD exomes 0.00828 and 0.01198; ESP Exome Variant Server 0.00918; ExAC 0.00936.
gnomAD v4.1: 13,818 of 1,207,653 alleles (1.1%); highest among the groups gnomAD compares: Non-Finnish European, 1.4%; 65 homozygotes.

Submissions (3):

Labcorp Genetics (formerly Invitae), Labcorp
Classification: Benign. Last evaluated: 2019-12-31. Review status: criteria provided, single submitter. Criteria: Invitae Variant Classification Sherloc (09022015). Collection method: clinical testing. Allele origin: germline.

Breakthrough Genomics
Classification: Benign. Review status: criteria provided, single submitter. Criteria: ACMG Guidelines, 2015. Collection method: not provided. Allele origin: germline. Inheritance: Unknown mechanism. Affected: yes.

PreventionGenetics, part of Exact Sciences
Classification: Benign for GRPR-related condition. Last evaluated: 2019-08-28. Review status: no assertion criteria provided. Collection method: clinical testing. Allele origin: germline. Not counted in ClinVar's aggregate classification.
Comment: This variant is classified as benign based on ACMG/AMP sequence variant interpretation guidelines (Richards et al. 2015 PMID: 25741868, with internal and published modifications).

NM_005314.3(GRPR):c.396G>A (p.Thr132=)

Gene: GRPR (gastrin releasing peptide receptor; plus strand). Cytogenetic location: Xp22.2.
Variant type: single nucleotide variant.
Coding change: c.396G>A on transcript NM_005314.3 (MANE Select); coding-DNA position 396, G replaced by A.
Protein change: p.Thr132=; no amino-acid change (threonine 132 retained).
Molecular consequence: synonymous variant.
Genome position (GRCh38, 1-based): chrX:16,124,349, G>A. VCF-style: chrX-16124349-G-A. GRCh37 (hg19) VCF-style: chrX-16142472-G-A.
Identifiers: ClinVar variation 790473 (VCV000790473.7), dbSNP rs35636070, ClinGen allele CA10356536.